The following is an entry in ClinVar:

ClinVar aggregate classification (germline): Conflicting classifications of pathogenicity. Review status: criteria provided, conflicting classifications (1 of 4 stars). 3 submissions from 3 submitters: Likely pathogenic (2); Uncertain significance (1). Last evaluated 2025-05-09.

Conditions:
Polycystic kidney disease 4 (PKD4). Also called: POLYCYSTIC KIDNEY DISEASE 4 WITH OR WITHOUT POLYCYSTIC LIVER DISEASE; POLYCYSTIC KIDNEY AND HEPATIC DISEASE 1; POLYCYSTIC KIDNEY DISEASE, INFANTILE, TYPE I; PKD3; Autosomal Recessive Polycystic Kidney Disease – PKHD1. Identifiers: MedGen C4540575, MONDO:0033004, OMIM 263200.
Autosomal recessive polycystic kidney disease (ARPKD). Also called: AR polycystic kidney disease. Identifiers: Orphanet 731, Orphanet 8378, MedGen C0085548, MeSH D017044, MONDO:0009889.

Submissions (3):

Women's Health and Genetics/Laboratory Corporation of America, LabCorp
Classification: Uncertain significance. Last evaluated: 2025-05-09. Review status: criteria provided, single submitter. Criteria: LabCorp Variant Classification Summary - May 2015. Collection method: clinical testing. Allele origin: germline.
Comment: Variant summary: PKHD1 c.3365-3C>T alters a non-conserved nucleotide located close to a canonical splice site and therefore could affect mRNA splicing, leading to a significantly altered protein sequence. Consensus agreement among computation tools predict no significant impact on normal splicing. However, these predictions have yet to be confirmed by functional studies. The variant was absent in 1612984 control chromosomes. c.3365-3C>T has been observed in a compound heterozygous individual affected with Polycystic Kidney And Hepatic Disease (Melchionda_2016). These data indicate that the variant may be associated with disease. To our knowledge, no experimental evidence demonstrating an impact on protein function has been reported. The following publication have been ascertained in the context of this evaluation (PMID: 27225849). ClinVar contains an entry for this variant (Variation ID: 1487089). Based on the evidence outlined above, the variant was classified as VUS-possibly pathogenic.

Baylor Genetics
Classification: Likely pathogenic for Polycystic kidney disease 4. Last evaluated: 2022-03-06. Review status: criteria provided, single submitter. Criteria: ACMG Guidelines, 2015. Collection method: clinical testing. Allele origin: unknown.

Labcorp Genetics (formerly Invitae), Labcorp
Classification: Likely pathogenic for Autosomal recessive polycystic kidney disease. Last evaluated: 2021-07-06. Review status: criteria provided, single submitter. Criteria: Invitae Variant Classification Sherloc (09022015). Collection method: clinical testing. Allele origin: germline.
Comment: This sequence change falls in intron 29 of the PKHD1 gene. It does not directly change the encoded amino acid sequence of the PKHD1 protein. It affects a nucleotide within the consensus splice site of the intron. This variant is not present in population databases (ExAC no frequency). This variant has been observed in individual(s) with autosomal recessive polycystic kidney disease (PMID: 27225849). In at least one individual the data is consistent with the variant being in trans (on the opposite chromosome) from a pathogenic variant. Nucleotide substitutions within the consensus splice site are a relatively common cause of aberrant splicing (PMID: 17576681, 9536098). Algorithms developed to predict the effect of sequence changes on RNA splicing suggest that this variant is not likely to affect RNA splicing. In summary, the currently available evidence indicates that the variant is pathogenic, but additional data are needed to prove that conclusively. Therefore, this variant has been classified as Likely Pathogenic.

Literature cited by the submitters: PubMed 27225849 (cited by Women's Health and Genetics/Laboratory Corporation of America, LabCorp and Labcorp Genetics (formerly Invitae), Labcorp); PubMed 17576681 (cited by Labcorp Genetics (formerly Invitae), Labcorp); PubMed 9536098 (cited by Labcorp Genetics (formerly Invitae), Labcorp).

NM_138694.4(PKHD1):c.3365-3C>T

Gene: PKHD1 (PKHD1 ciliary IPT domain containing fibrocystin/polyductin; minus strand). Cytogenetic location: 6p12.2.
Variant type: single nucleotide variant.
Coding change: c.3365-3C>T on transcript NM_138694.4 (MANE Select); 3 bases into the intron before coding-DNA position 3365, C replaced by T.
Molecular consequence: intron variant.
Genome position (GRCh38, 1-based): chr6:52,028,354, G>A on the plus strand (C>T on the coding strand, the complement: PKHD1 is on the minus strand). VCF-style: chr6-52028354-G-A. GRCh37 (hg19) VCF-style: chr6-51893152-G-A.
Other names: c.3365-3C>T (NM_170724.3).
Identifiers: ClinVar variation 1487089 (VCV001487089.8), dbSNP rs2128153381, ClinGen allele CA2573140952.
Genomic context (GRCh38, chr6:52,028,354, plus strand): 5'-ACATCCAAATCCGTATAGTTCATCAGCCTCGCCACTCCAATGACCAGGGTCTCACCGCCT[G>A]TGTTGAGAAGAATCCAATAGCCTCTGACATGTGGGGTTTGTGGGCTCAACCATCTATTCA-3'